The following is an entry in ClinVar:

NM_020975.6(RET):c.1661A>T (p.Asn554Ile)

Gene: RET (ret proto-oncogene; plus strand). Cytogenetic location: 10q11.21.
Variant type: single nucleotide variant.
Coding change: c.1661A>T on transcript NM_020975.6 (MANE Select); coding-DNA position 1661, A replaced by T.
Protein change: p.Asn554Ile; replaces asparagine 554 with isoleucine.
Molecular consequence: missense variant.
Genome position (GRCh38, 1-based): chr10:43,112,865, A>T. VCF-style: chr10-43112865-A-T. GRCh37 (hg19) VCF-style: chr10-43608313-A-T.
Other names: c.1661A>T, p.Asn554Ile (NM_000323.2, NM_001406743.1, NM_001406744.1 and 6 more transcripts); c.899A>T, p.Asn300Ile (NM_001355216.2); c.1532A>T, p.Asn511Ile (NM_001406761.1, NM_001406762.1, NM_001406764.1 and 1 more transcripts); c.1373A>T, p.Asn458Ile (NM_001406766.1, NM_001406767.1, NM_001406770.1); c.1265A>T, p.Asn422Ile (NM_001406769.1, NM_001406772.1); c.1223A>T, p.Asn408Ile (NM_001406771.1, NM_001406773.1); c.1136A>T, p.Asn379Ile (NM_001406774.1); c.935A>T, p.Asn312Ile (NM_001406775.1, NM_001406776.1, NM_001406777.1 and 1 more transcripts); and 5 more; short protein forms N300I, N554I, N379I, N422I, N159I, N255I, N408I, N458I.
Identifiers: ClinVar variation 859565 (VCV000859565.10), dbSNP rs200047805, ClinGen allele CA376551782.

ClinVar aggregate classification (germline): Uncertain significance (1 of 4 stars; one submission).

Conditions:
Multiple endocrine neoplasia, type 2 (MEN2). Identifiers: Orphanet 653, MedGen C4048306, MONDO:0019003. Disease mechanism: gain of function.

Submission:

Labcorp Genetics (formerly Invitae), Labcorp
Classification: Uncertain significance for Multiple endocrine neoplasia, type 2. Last evaluated: 2025-07-07. Review status: criteria provided, single submitter. Criteria: Invitae Variant Classification Sherloc (09022015). Collection method: clinical testing. Allele origin: germline.
Comment: This sequence change replaces asparagine, which is neutral and polar, with isoleucine, which is neutral and non-polar, at codon 554 of the RET protein (p.Asn554Ile). This variant is not present in population databases (gnomAD no frequency). This variant has not been reported in the literature in individuals affected with RET-related conditions. ClinVar contains an entry for this variant (Variation ID: 859565). An algorithm developed to predict the effect of missense changes on protein structure and function (PolyPhen-2) suggests that this variant is likely to be disruptive. In summary, the available evidence is currently insufficient to determine the role of this variant in disease. Therefore, it has been classified as a Variant of Uncertain Significance.